The following is an entry in ClinVar:

ClinVar aggregate classification (germline): Uncertain significance. Review status: criteria provided, multiple submitters, no conflicts (2 of 4 stars). 2 submissions from 2 submitters: Uncertain significance (2). Last evaluated 2025-04-08.

Conditions:
Inborn genetic diseases. Identifiers: MedGen C0950123, MeSH D030342.

Allele frequency attached by ClinVar (database versions not stated): gnomAD exomes 0.00002 and below 0.00001; TOPMed 0.00002; gnomAD 0.00003; ExAC 0.00001.
gnomAD v4.1: 10 of 1,613,888 alleles (0.00062%); highest among the groups gnomAD compares: East Asian, 0.022%; no homozygotes.

Submissions (2):

Ambry Genetics
Classification: Uncertain significance for Inborn genetic diseases. Last evaluated: 2025-04-08. Review status: criteria provided, single submitter. Criteria: Ambry Variant Classification Scheme 2023. Collection method: clinical testing. Allele origin: germline.

Labcorp Genetics (formerly Invitae), Labcorp
Classification: Uncertain significance. Last evaluated: 2023-08-10. Review status: criteria provided, single submitter. Criteria: Invitae Variant Classification Sherloc (09022015). Collection method: clinical testing. Allele origin: germline.
Comment: ClinVar contains an entry for this variant (Variation ID: 1355601). Advanced modeling of protein sequence and biophysical properties (such as structural, functional, and spatial information, amino acid conservation, physicochemical variation, residue mobility, and thermodynamic stability) performed at Invitae indicates that this missense variant is expected to disrupt CYP4V2 protein function. In summary, the available evidence is currently insufficient to determine the role of this variant in disease. Therefore, it has been classified as a Variant of Uncertain Significance. This variant has not been reported in the literature in individuals affected with CYP4V2-related conditions. This sequence change replaces asparagine, which is neutral and polar, with aspartic acid, which is acidic and polar, at codon 104 of the CYP4V2 protein (p.Asn104Asp). This variant is present in population databases (rs752645954, gnomAD 0.03%).

NM_207352.4(CYP4V2):c.310A>G (p.Asn104Asp)

Gene: CYP4V2 (cytochrome P450 family 4 subfamily V member 2; plus strand). Cytogenetic location: 4q35.1.
Variant type: single nucleotide variant.
Coding change: c.310A>G on transcript NM_207352.4 (MANE Select); coding-DNA position 310, A replaced by G.
Protein change: p.Asn104Asp; replaces asparagine 104 with aspartic acid.
Molecular consequence: missense variant.
Genome position (GRCh38, 1-based): chr4:186,194,595, A>G. VCF-style: chr4-186194595-A-G. GRCh37 (hg19) VCF-style: chr4-187115749-A-G.
Other names: c.310A>G (NM_207352.3); short protein forms N104D.
Identifiers: ClinVar variation 1355601 (VCV001355601.7), dbSNP rs752645954, ClinGen allele CA3162495.
Genomic context (GRCh38, chr4:186,194,595, plus strand): 5'-TACCGCCACATGCCGCTGCTGAAGCTCTGGGTCGGGCCAGTGCCCATGGTGGCCCTTTAT[A>G]ATGCAGAAAATGTGGAGGTGGGTACATGTGAATATGATCAGTATTGTACTGTGTATCTGA-3'
Protein context (NP_997235.3, residues 94-114): VGPVPMVALY[Asn104Asp]AENVEVILTS